The following is an entry in ClinVar:

ClinVar aggregate classification (germline): Benign/Likely benign. Review status: criteria provided, multiple submitters, no conflicts (2 of 4 stars). 2 submissions from 2 submitters: Benign (1); Likely benign (1). Last evaluated 2026-09-16.

Conditions:
Colorectal cancer, hereditary nonpolyposis, type 7. Identifiers: Orphanet 144, MedGen C1858380, MONDO:0013725, OMIM 614385.

Allele frequency attached by ClinVar (database versions not stated): gnomAD exomes below 0.00001; TOPMed below 0.00001.
gnomAD v4.1: 3 of 1,613,352 alleles (0.00019%); highest among the groups gnomAD compares: Non-Finnish European, 0.00025%; no homozygotes.

Submissions (2):

Myriad Genetics, Inc.
Classification: Benign for Colorectal cancer, hereditary nonpolyposis, type 7. Last evaluated: 2026-09-16. Review status: criteria provided, single submitter. Criteria: Myriad Autosomal Dominant, Autosomal Recessive and X-Linked Classification Criteria (2023). Collection method: clinical testing. Allele origin: unknown.
Comment: This variant is considered benign. This variant is a silent/synonymous amino acid change and it is not expected to impact splicing.

Ambry Genetics
Classification: Likely benign. Last evaluated: 2022-03-12. Review status: criteria provided, single submitter. Criteria: Ambry Variant Classification Scheme 2023. Collection method: clinical testing. Allele origin: germline.

NM_001040108.2(MLH3):c.714T>C (p.Tyr238=)

Gene: MLH3 (mutL homolog 3; minus strand). Cytogenetic location: 14q24.3.
Variant type: single nucleotide variant.
Coding change: c.714T>C on transcript NM_001040108.2 (MANE Select); coding-DNA position 714, T replaced by C.
Protein change: p.Tyr238=; no amino-acid change (tyrosine 238 retained).
Molecular consequence: synonymous variant.
Genome position (GRCh38, 1-based): chr14:75,048,942, A>G on the plus strand (T>C on the coding strand, the complement: MLH3 is on the minus strand). VCF-style: chr14-75048942-A-G. GRCh37 (hg19) VCF-style: chr14-75515645-A-G.
Other names: c.714T>C, p.Tyr238= (NM_014381.3).
Identifiers: ClinVar variation 1757389 (VCV001757389.3), dbSNP rs1892466442, ClinGen allele CA487274180.